The following is an entry in ClinVar:

ClinVar aggregate classification (germline): Uncertain significance (1 of 4 stars; one submission).

Conditions:
Developmental and epileptic encephalopathy, 1 (DEE1). Also called: X-linked infantile spasms; West's syndrome; Tonic spasms with clustering, arrest of psychomotor development and hypsarrhythmia on EEG; X-Linked Infantile Spasm Syndrome; OHTAHARA SYNDROME, X-LINKED; INFANTILE SPASM SYNDROME, X-LINKED 1. Identifiers: MedGen C3463992, MONDO:0010632, OMIM 308350. Disease mechanism: loss of function.
Autosomal dominant nonsyndromic hearing loss 65. Also called: Deafness, autosomal dominant 65; TBC1D24-Related Autosomal Dominant Nonsyndromic Hearing Loss (DFNA). Identifiers: Orphanet 90635, MedGen C3892048, MONDO:0014470, OMIM 616044.

Submission:

Labcorp Genetics (formerly Invitae), Labcorp
Classification: Uncertain significance for Developmental and epileptic encephalopathy, 1; Autosomal dominant nonsyndromic hearing loss 65. Last evaluated: 2024-12-09. Review status: criteria provided, single submitter. Criteria: Invitae Variant Classification Sherloc (09022015). Collection method: clinical testing. Allele origin: germline.
Comment: This sequence change replaces glycine, which is neutral and non-polar, with alanine, which is neutral and non-polar, at codon 419 of the TBC1D24 protein (p.Gly419Ala). This variant is not present in population databases (gnomAD no frequency). This variant has not been reported in the literature in individuals affected with TBC1D24-related conditions. ClinVar contains an entry for this variant (Variation ID: 2004989). Invitae Evidence Modeling of protein sequence and biophysical properties (such as structural, functional, and spatial information, amino acid conservation, physicochemical variation, residue mobility, and thermodynamic stability) has been performed for this missense variant. However, the output from this modeling did not meet the statistical confidence thresholds required to predict the impact of this variant on TBC1D24 protein function. In summary, the available evidence is currently insufficient to determine the role of this variant in disease. Therefore, it has been classified as a Variant of Uncertain Significance.

NM_001199107.2(TBC1D24):c.1256G>C (p.Gly419Ala)

Gene: TBC1D24 (TBC1 domain family member 24; plus strand). Cytogenetic location: 16p13.3.
Variant type: single nucleotide variant.
Coding change: c.1256G>C on transcript NM_001199107.2 (MANE Select); coding-DNA position 1256, G replaced by C.
Protein change: p.Gly419Ala; replaces glycine 419 with alanine.
Molecular consequence: missense variant.
Genome position (GRCh38, 1-based): chr16:2,499,884, G>C. VCF-style: chr16-2499884-G-C. GRCh37 (hg19) VCF-style: chr16-2549885-G-C.
Other names: c.1238G>C, p.Gly413Ala (NM_020705.3); short protein forms G413A, G419A.
Identifiers: ClinVar variation 2004989 (VCV002004989.4), dbSNP rs2505524770, ClinGen allele CA394380206.
Genomic context (GRCh38, chr16:2,499,884, plus strand): 5'-CTTTCCCCCAGGTGTGTGGTGCTTACCTGTCCACAGACTGGAGTGAGAGAAATAAGTTTG[G>C]AGGCAAACTGGGCTTCTTTGGGACCGGAGAATGCTTTGTGTTTAGGGTGAGTGGGGCCAA-3'
Protein context (NP_001186036.1, residues 409-429): STDWSERNKF[Gly419Ala]GKLGFFGTGE